The following is an entry in ClinVar:

NM_001378452.1(ITPR1):c.2659C>G (p.Arg887Gly)

Gene: ITPR1 (inositol 1,4,5-trisphosphate receptor type 1; plus strand). Cytogenetic location: 3p26.1.
Variant type: single nucleotide variant.
Coding change: c.2659C>G on transcript NM_001378452.1 (MANE Select); coding-DNA position 2659, C replaced by G.
Protein change: p.Arg887Gly; replaces arginine 887 with glycine.
Molecular consequence: missense variant.
Genome position (GRCh38, 1-based): chr3:4,675,128, C>G. VCF-style: chr3-4675128-C-G. GRCh37 (hg19) VCF-style: chr3-4716812-C-G.
Other names: c.2659C>G, p.Arg887Gly (NM_001099952.4); c.2614C>G, p.Arg872Gly (NM_001168272.2, NM_002222.7); short protein forms R872G, R887G.
Identifiers: ClinVar variation 2653454 (VCV002653454.24), dbSNP rs1161266328, ClinGen allele CA351648490.

ClinVar aggregate classification (germline): Uncertain significance (1 of 4 stars; one submission).

Submission:

CeGaT Center for Human Genetics Tuebingen
Classification: Uncertain significance. Last evaluated: 2022-04-01. Review status: criteria provided, single submitter. Criteria: CeGaT Center For Human Genetics Tuebingen Variant Classification Criteria Version 2. Collection method: clinical testing. Allele origin: germline. Affected: yes. Observed: 1 variant allele.
Comment: ITPR1: PM2, PP3